The following is an entry in ClinVar:

ClinVar aggregate classification (germline): Uncertain significance (1 of 4 stars; one submission).

Submission:

GeneDx
Classification: Uncertain significance. Last evaluated: 2023-06-26. Review status: criteria provided, single submitter. Criteria: GeneDx Variant Classification Process June 2021. Collection method: clinical testing. Allele origin: germline. Affected: yes.
Comment: Not observed at significant frequency in large population cohorts (gnomAD); Nonsense variant predicted to result in protein truncation or nonsense mediated decay in a gene or region of a gene for which loss of function is not a well-established mechanism of disease; Has not been previously published as pathogenic or benign to our knowledge

NM_000810.4(GABRA5):c.732C>G (p.Tyr244Ter)

Gene: GABRA5 (gamma-aminobutyric acid type A receptor subunit alpha5; plus strand). Cytogenetic location: 15q12.
Variant type: single nucleotide variant.
Coding change: c.732C>G on transcript NM_000810.4 (MANE Select); coding-DNA position 732, C replaced by G.
Protein change: p.Tyr244Ter; replaces tyrosine 244 with a stop codon.
Molecular consequence: nonsense.
Genome position (GRCh38, 1-based): chr15:26,939,932, C>G. VCF-style: chr15-26939932-C-G. GRCh37 (hg19) VCF-style: chr15-27185079-C-G.
Other names: c.732C>G, p.Tyr244Ter (NM_001165037.2); short protein forms Y244*.
Identifiers: ClinVar variation 3360275 (VCV003360275.1).
Genomic context (GRCh38, chr15:26,939,932, plus strand): 5'-GCAGCAAGCAGAGACTCTAGGGGACTGATGTGCAGTCATTTGCTTATTTGCAGGCGAATA[C>G]ACAATCATGACAGCTCACTTCCACCTGAAAAGGAAGATTGGCTACTTTGTCATCCAGACC-3'